The following is an entry in ClinVar:

NM_006618.5(KDM5B):c.3544C>T (p.Gln1182Ter)

Gene: KDM5B (lysine demethylase 5B; minus strand). Cytogenetic location: 1q32.1.
Variant type: single nucleotide variant.
Coding change: c.3544C>T on transcript NM_006618.5 (MANE Select); coding-DNA position 3544, C replaced by T.
Protein change: p.Gln1182Ter; replaces glutamine 1182 with a stop codon.
Molecular consequence: nonsense.
Genome position (GRCh38, 1-based): chr1:202,733,766, G>A on the plus strand (C>T on the coding strand, the complement: KDM5B is on the minus strand). VCF-style: chr1-202733766-G-A. GRCh37 (hg19) VCF-style: chr1-202702894-G-A.
Other names: c.3652C>T, p.Gln1218Ter (NM_001314042.2); c.3409C>T, p.Gln1137Ter (NM_001347591.2); c.3529C>T, p.Gln1177Ter (NM_001399817.1); short protein forms Q1137*, Q1177*, Q1182*, Q1218*.
Identifiers: ClinVar variation 2633332 (VCV002633332.1), dbSNP rs2527411857, ClinGen allele CA344262384.

ClinVar aggregate classification (germline): Likely pathogenic (1 of 4 stars; one submission).

Conditions:
KDM5B-related disorder. Also called: KDM5B-related condition.

Allele frequency attached by ClinVar (database versions not stated): gnomAD exomes below 0.00001.

Submission:

PreventionGenetics, part of Exact Sciences
Classification: Likely pathogenic for KDM5B-related condition. Last evaluated: 2023-07-17. Review status: criteria provided, single submitter. Criteria: ACMG Guidelines, 2015. Collection method: clinical testing. Allele origin: germline.
Comment: The KDM5B c.3544C>T variant is predicted to result in premature protein termination (p.Gln1182*). To our knowledge, this variant has not been reported in the literature or in a large population database, indicating this variant is rare. Nonsense variants in KDM5B are expected to be pathogenic. This variant is interpreted as likely pathogenic for autosomal KDM5B-related disorders.